The following is an entry in ClinVar:

NM_001036.6(RYR3):c.10858C>T (p.Arg3620Trp)

Gene: RYR3 (ryanodine receptor 3; plus strand). Cytogenetic location: 15q14.
Variant type: single nucleotide variant.
Coding change: c.10858C>T on transcript NM_001036.6 (MANE Select); coding-DNA position 10858, C replaced by T.
Protein change: p.Arg3620Trp; replaces arginine 3620 with tryptophan.
Molecular consequence: missense variant.
Genome position (GRCh38, 1-based): chr15:33,821,312, C>T. VCF-style: chr15-33821312-C-T. GRCh37 (hg19) VCF-style: chr15-34113513-C-T.
Other names: c.10843C>T, p.Arg3615Trp (NM_001243996.4); short protein forms R3615W, R3620W.
Identifiers: ClinVar variation 1063823 (VCV001063823.9), dbSNP rs1477239834, ClinGen allele CA391586762.

ClinVar aggregate classification (germline): Uncertain significance (1 of 4 stars; one submission).

Conditions:
Epileptic encephalopathy. Identifiers: MedGen C0543888, HP:0200134.

Allele frequency attached by ClinVar (database versions not stated): gnomAD exomes below 0.00001; gnomAD 0.00001; TOPMed 0.00001.
gnomAD v4.1: 4 of 1,603,646 alleles (0.00025%); highest among the groups gnomAD compares: African/African-American, 0.0013%; no homozygotes.

Submission:

Labcorp Genetics (formerly Invitae), Labcorp
Classification: Uncertain significance for Epileptic encephalopathy. Last evaluated: 2024-10-30. Review status: criteria provided, single submitter. Criteria: Invitae Variant Classification Sherloc (09022015). Collection method: clinical testing. Allele origin: germline.
Comment: This sequence change replaces arginine, which is basic and polar, with tryptophan, which is neutral and slightly polar, at codon 3620 of the RYR3 protein (p.Arg3620Trp). The frequency data for this variant in the population databases is considered unreliable, as metrics indicate poor data quality at this position in the gnomAD database. This variant has not been reported in the literature in individuals affected with RYR3-related conditions. ClinVar contains an entry for this variant (Variation ID: 1063823). Invitae Evidence Modeling of protein sequence and biophysical properties (such as structural, functional, and spatial information, amino acid conservation, physicochemical variation, residue mobility, and thermodynamic stability) indicates that this missense variant is expected to disrupt RYR3 protein function with a positive predictive value of 80%. In summary, the available evidence is currently insufficient to determine the role of this variant in disease. Therefore, it has been classified as a Variant of Uncertain Significance.